The following is an entry in ClinVar:

ClinVar aggregate classification (germline): Uncertain significance (1 of 4 stars; one submission).

Conditions:
Brachyolmia-amelogenesis imperfecta syndrome. Also called: Tooth agenesis, selective, 6; Dental anomalies and short stature; PLATYSPONDYLY WITH AMELOGENESIS IMPERFECTA. Identifiers: Orphanet 2899, MedGen C1832594, MONDO:0011018, OMIM 601216. Disease mechanism: loss of function.

gnomAD v4.1: 1 of 1,545,084 alleles (0.000065%); highest among the groups gnomAD compares: Non-Finnish European, 0.000087%; no homozygotes.

Submission:

Labcorp Genetics (formerly Invitae), Labcorp
Classification: Uncertain significance for Brachyolmia-amelogenesis imperfecta syndrome. Last evaluated: 2024-01-26. Review status: criteria provided, single submitter. Criteria: Invitae Variant Classification Sherloc (09022015). Collection method: clinical testing. Allele origin: germline.
Comment: This sequence change replaces aspartic acid, which is acidic and polar, with asparagine, which is neutral and polar, at codon 1161 of the LTBP3 protein (p.Asp1161Asn). This variant is not present in population databases (gnomAD no frequency). This variant has not been reported in the literature in individuals affected with LTBP3-related conditions. ClinVar contains an entry for this variant (Variation ID: 1449841). An algorithm developed to predict the effect of missense changes on protein structure and function (PolyPhen-2) suggests that this variant is likely to be disruptive. In summary, the available evidence is currently insufficient to determine the role of this variant in disease. Therefore, it has been classified as a Variant of Uncertain Significance.

NM_001130144.3(LTBP3):c.3481G>A (p.Asp1161Asn)

Gene: LTBP3 (latent transforming growth factor beta binding protein 3; minus strand). Cytogenetic location: 11q13.1.
Variant type: single nucleotide variant.
Coding change: c.3481G>A on transcript NM_001130144.3 (MANE Select); coding-DNA position 3481, G replaced by A.
Protein change: p.Asp1161Asn; replaces aspartic acid 1161 with asparagine.
Molecular consequence: missense variant.
Genome position (GRCh38, 1-based): chr11:65,539,786, C>T on the plus strand (G>A on the coding strand, the complement: LTBP3 is on the minus strand). VCF-style: chr11-65539786-C-T. GRCh37 (hg19) VCF-style: chr11-65307257-C-T.
Other names: c.2989G>A, p.Asp997Asn (NM_001164266.1); c.3340G>A, p.Asp1114Asn (NM_021070.4); short protein forms D1114N, D1161N, D997N.
Identifiers: ClinVar variation 1449841 (VCV001449841.6), dbSNP rs1377615305, ClinGen allele CA381266794.